The following is an entry in ClinVar:

ClinVar aggregate classification (germline): Likely pathogenic (1 of 4 stars; one submission).

Conditions:
Short stature, facial dysmorphism, and skeletal anomalies with or without cardiac anomalies. Identifiers: MedGen CN294045, MONDO:0031439, MONDO:0060649.

Submission:

HudsonAlpha Institute for Biotechnology
Classification: Likely pathogenic for Short stature, facial dysmorphism, and skeletal anomalies with or without cardiac anomalies 1. Last evaluated: 2020-01-06. Review status: criteria provided, single submitter. Criteria: ACMG Guidelines, 2015. Collection method: research. Allele origin: unknown. Affected: yes. Observed: 1 variant allele. Study: CSER-SouthSeq.
Comment: ACMG codes: PVS1, PM2

NM_001200.4(BMP2):c.939G>A (p.Trp313Ter)

Gene: BMP2 (bone morphogenetic protein 2; plus strand). Cytogenetic location: 20p12.3.
Variant type: single nucleotide variant.
Coding change: c.939G>A on transcript NM_001200.4 (MANE Select); coding-DNA position 939, G replaced by A.
Protein change: p.Trp313Ter; replaces tryptophan 313 with a stop codon.
Molecular consequence: nonsense.
Genome position (GRCh38, 1-based): chr20:6,778,837, G>A. VCF-style: chr20-6778837-G-A. GRCh37 (hg19) VCF-style: chr20-6759484-G-A.
Other names: short protein forms W313*.
Identifiers: ClinVar variation 828025 (VCV000828025.1), dbSNP rs1600173481, ClinGen allele CA408259457.
Genomic context (GRCh38, chr20:6,778,837, plus strand): 5'-GTCCAGCTGTAAGAGACACCCTTTGTACGTGGACTTCAGTGACGTGGGGTGGAATGACTG[G>A]ATTGTGGCTCCCCCGGGGTATCACGCCTTTTACTGCCACGGAGAATGCCCTTTTCCTCTG-3'